The following is an entry in ClinVar:

NM_033159.4(HYAL1):c.773C>G (p.Ser258Ter)

Gene: HYAL1 (hyaluronidase 1; minus strand). Cytogenetic location: 3p21.31.
Variant type: single nucleotide variant.
Coding change: c.773C>G on transcript NM_033159.4 (MANE Select); coding-DNA position 773, C replaced by G.
Protein change: p.Ser258Ter; replaces serine 258 with a stop codon.
Molecular consequence: nonsense. On other transcripts: 5 prime UTR variant (1), non-coding transcript variant (1).
Genome position (GRCh38, 1-based): chr3:50,302,184, G>C on the plus strand (C>G on the coding strand, the complement: HYAL1 is on the minus strand). VCF-style: chr3-50302184-G-C. GRCh37 (hg19) VCF-style: chr3-50339615-G-C.
Other names: c.773C>G, p.Ser258Ter (NM_153281.2, NM_153282.3); c.227C>G, p.Ser76Ter (NM_153283.3); c.-5C>G (NM_153285.3); short protein forms S76*, S258*.
Identifiers: ClinVar variation 955013 (VCV000955013.7), dbSNP rs782355058, ClinGen allele CA2415872.

ClinVar aggregate classification (germline): Conflicting classifications of pathogenicity. Review status: criteria provided, conflicting classifications (1 of 4 stars). 2 submissions from 2 submitters: Pathogenic (1); Uncertain significance (1). Last evaluated 2023-10-17.

Conditions:
HYAL1-related disorder. Also called: HYAL1-related condition.
Deficiency of hyaluronoglucosaminidase (MPS9). Also called: Mucopolysaccharidosis type 9; MPS IX; HYALURONIDASE DEFICIENCY. Identifiers: Orphanet 67041, MedGen C1291490, MONDO:0011093, OMIM 601492.

Allele frequency attached by ClinVar (database versions not stated): ExAC 0.00001; gnomAD 0.00001; TOPMed 0.00001.

Submissions (2):

Labcorp Genetics (formerly Invitae), Labcorp
Classification: Pathogenic for Deficiency of hyaluronoglucosaminidase. Last evaluated: 2023-10-17. Review status: criteria provided, single submitter. Criteria: Invitae Variant Classification Sherloc (09022015). Collection method: clinical testing. Allele origin: germline.
Comment: This sequence change creates a premature translational stop signal (p.Ser258*) in the HYAL1 gene. It is expected to result in an absent or disrupted protein product. Loss-of-function variants in HYAL1 are known to be pathogenic (PMID: 10339581, 21559944). This variant is present in population databases (rs782355058, gnomAD 0.002%). This variant has not been reported in the literature in individuals affected with HYAL1-related conditions. ClinVar contains an entry for this variant (Variation ID: 955013). For these reasons, this variant has been classified as Pathogenic.

PreventionGenetics, part of Exact Sciences
Classification: Uncertain significance for HYAL1-related condition. Last evaluated: 2023-07-28. Review status: criteria provided, single submitter. Criteria: ACMG Guidelines, 2015. Collection method: clinical testing. Allele origin: germline.
Comment: The HYAL1 c.773C>G variant is predicted to result in premature protein termination (p.Ser258*). To our knowledge, this variant has not been reported in the literature or in a large population database, indicating it is rare. HYAL1 is considered to have moderate gene-disease validity for mucopolysaccharidosis 9 by ClinGen and only one premature termination variant has been reported in the literature (Imundo et al. 2011. PubMed ID: 21559944). Therefore, nonsense variants in HYAL1 are not definitively established as a cause of disease. At this time, the clinical significance of this variant is uncertain due to the absence of conclusive functional and genetic evidence.

Literature cited by the submitters: PubMed 10339581 (cited by Labcorp Genetics (formerly Invitae), Labcorp); PubMed 21559944 (cited by Labcorp Genetics (formerly Invitae), Labcorp).